The following is an entry in ClinVar:

NM_002850.4(PTPRS):c.2029A>G (p.Thr677Ala)

Gene: PTPRS (protein tyrosine phosphatase receptor type S; minus strand). Cytogenetic location: 19p13.3.
Variant type: single nucleotide variant.
Coding change: c.2029A>G on transcript NM_002850.4 (MANE Select); coding-DNA position 2029, A replaced by G.
Protein change: p.Thr677Ala; replaces threonine 677 with alanine.
Molecular consequence: missense variant. On other transcripts: intron variant (2).
Genome position (GRCh38, 1-based): chr19:5,231,436, T>C on the plus strand (A>G on the coding strand, the complement: PTPRS is on the minus strand). VCF-style: chr19-5231436-T-C. GRCh37 (hg19) VCF-style: chr19-5231447-T-C.
Other names: c.1990A>G, p.Thr664Ala (NM_001394011.1, NM_001394012.1, NM_001394013.1 and 1 more transcripts); c.1810+7483A>G (NM_130853.3); c.1822+7483A>G (NM_130855.3); short protein forms T664A, T677A.
Identifiers: ClinVar variation 3344866 (VCV003344866.1).

ClinVar aggregate classification (germline): Uncertain significance (0 of 4 stars; one submission).

Conditions:
PTPRS-related disorder. Also called: PTPRS-related condition.

Submission:

PreventionGenetics, part of Exact Sciences
Classification: Uncertain significance for PTPRS-related condition. Last evaluated: 2024-06-20. Review status: no assertion criteria provided. Collection method: clinical testing. Allele origin: germline.
Comment: The PTPRS c.2029A>G variant is predicted to result in the amino acid substitution p.Thr677Ala. To our knowledge, this variant has not been reported in the literature or in a large population database, indicating this variant is rare. At this time, the clinical significance of this variant is uncertain due to the absence of conclusive functional and genetic evidence.